The following is an entry in ClinVar:

NM_002087.4(GRN):c.383_386del (p.Asp128fs)

Gene: GRN (granulin precursor; plus strand). Cytogenetic location: 17q21.31.
Variant type: Deletion.
Coding change: c.383_386del on transcript NM_002087.4 (MANE Select); coding-DNA positions 383 to 386, 4 bases deleted (ATAG; older notation c.383_386delATAG).
Protein change: p.Asp128fs; shifts the reading frame from aspartic acid 128.
Molecular consequence: frameshift variant.
Genome position (GRCh38, 1-based): chr17:44,350,261-44,350,264, ATAG deleted; deleting any 4 consecutive bases within chr17:44,350,260-44,350,264 gives the same sequence; the c. name uses the placement nearest the transcript's 3' end. VCF-style (leftmost placement, unchanged base first): chr17-44350259-TGATA-T. GRCh37 (hg19) VCF-style: chr17-42427627-TGATA-T.
Other names: short protein forms D128fs.
Identifiers: ClinVar variation 949246 (VCV000949246.11), dbSNP rs2048359069, ClinGen allele CA1139665597.

ClinVar aggregate classification (germline): Pathogenic/Likely pathogenic. Review status: criteria provided, multiple submitters, no conflicts (2 of 4 stars). 2 submissions from 2 submitters: Pathogenic (1); Likely pathogenic (1). Last evaluated 2021-04-30.

Conditions:
GRN-related frontotemporal lobar degeneration with Tdp43 inclusions (FTD2). Also called: DEMENTIA, HEREDITARY DYSPHASIC DISINHIBITION; FRONTOTEMPORAL LOBAR DEGENERATION WITH UBIQUITIN-POSITIVE INCLUSIONS; FTLD-TDP, GRN-RELATED; GRN Frontotemporal Dementia; FRONTOTEMPORAL DEMENTIA WITH TDP43 INCLUSIONS, GRN-RELATED. Identifiers: Orphanet 100070, Orphanet 282, MedGen C1843792, MONDO:0011842, OMIM 607485. Disease mechanism: loss of function.
Neuronal ceroid lipofuscinosis 11. Also called: GRN-Related Neuronal Ceroid-Lipofuscinosis. Identifiers: Orphanet 314629, Orphanet 79262, MedGen C3539123, MONDO:0013866, OMIM 614706.

Submissions (2):

GeneDx
Classification: Likely pathogenic. Last evaluated: 2021-04-30. Review status: criteria provided, single submitter. Criteria: GeneDx Variant Classification Process June 2021. Collection method: clinical testing. Allele origin: germline. Affected: yes.
Comment: Frameshift variant predicted to result in protein truncation or nonsense mediated decay in a gene for which loss-of-function is a known mechanism of disease; Not observed in large population cohorts (Lek et al., 2016); Has not been previously published as pathogenic or benign to our knowledge

Labcorp Genetics (formerly Invitae), Labcorp
Classification: Pathogenic for Neuronal ceroid lipofuscinosis 11; GRN-related frontotemporal lobar degeneration with Tdp43 inclusions. Last evaluated: 2019-05-23. Review status: criteria provided, single submitter. Criteria: Invitae Variant Classification Sherloc (09022015). Collection method: clinical testing. Allele origin: germline.
Comment: This variant is not present in population databases (ExAC no frequency). For these reasons, this variant has been classified as Pathogenic. Loss-of-function variants in GRN are known to be pathogenic (PMID: 16862116, 16950801, 22608501). This variant has not been reported in the literature in individuals with GRN-related conditions. This sequence change creates a premature translational stop signal (p.Asp128Valfs*127) in the GRN gene. It is expected to result in an absent or disrupted protein product.

Literature cited by the submitters: PubMed 16862116 (cited by Labcorp Genetics (formerly Invitae), Labcorp); PubMed 16950801 (cited by Labcorp Genetics (formerly Invitae), Labcorp); PubMed 22608501 (cited by Labcorp Genetics (formerly Invitae), Labcorp).